The following is an entry in ClinVar:

ClinVar aggregate classification (germline): Uncertain significance (1 of 4 stars; one submission).

Submission:

Labcorp Genetics (formerly Invitae), Labcorp
Classification: Uncertain significance. Last evaluated: 2022-11-05. Review status: criteria provided, single submitter. Criteria: Invitae Variant Classification Sherloc (09022015). Collection method: clinical testing. Allele origin: germline.
Comment: This variant has not been reported in the literature in individuals affected with MYO7A-related conditions. This variant is not present in population databases (gnomAD no frequency). This sequence change replaces aspartic acid, which is acidic and polar, with alanine, which is neutral and non-polar, at codon 1636 of the MYO7A protein (p.Asp1636Ala). In summary, the available evidence is currently insufficient to determine the role of this variant in disease. Therefore, it has been classified as a Variant of Uncertain Significance. Advanced modeling of protein sequence and biophysical properties (such as structural, functional, and spatial information, amino acid conservation, physicochemical variation, residue mobility, and thermodynamic stability) performed at Invitae indicates that this missense variant is not expected to disrupt MYO7A protein function.

NM_000260.4(MYO7A):c.4907A>C (p.Asp1636Ala)

Gene: MYO7A (myosin VIIA; plus strand). Cytogenetic location: 11q13.5.
Variant type: single nucleotide variant.
Coding change: c.4907A>C on transcript NM_000260.4 (MANE Select); coding-DNA position 4907, A replaced by C.
Protein change: p.Asp1636Ala; replaces aspartic acid 1636 with alanine.
Molecular consequence: missense variant.
Genome position (GRCh38, 1-based): chr11:77,201,502, A>C. VCF-style: chr11-77201502-A-C. GRCh37 (hg19) VCF-style: chr11-76912547-A-C.
Other names: c.4793A>C, p.Asp1598Ala (NM_001127180.2); c.4760A>C, p.Asp1587Ala (NM_001369365.1); short protein forms D1598A, D1636A, D1587A.
Identifiers: ClinVar variation 1912900 (VCV001912900.5), dbSNP rs1452586634, ClinGen allele CA381951201.